The following is an entry in ClinVar:

ClinVar aggregate classification (germline): Likely pathogenic (1 of 4 stars; one submission).

Conditions:
Autosomal recessive nonsyndromic hearing loss 77. Identifiers: Orphanet 90636, MedGen C2746083, MONDO:0013119, OMIM 613079.

Submission:

Natera, Inc.
Classification: Likely pathogenic for Autosomal recessive deafness type 77. Last evaluated: 2025-03-28. Review status: criteria provided, single submitter. Criteria: Natera Variant Classification Schema (03/2026). Collection method: clinical testing. Allele origin: germline.
Comment: The c.3654_3657delinsTCCTCAAGACAA variant in LOXHD1 is a frameshift variant predicted to shift the reading frame beginning at codon 1219 and leads to a stop codon 42 codons downstream. This variant is expected to result in nonsense mediated decay, truncation, or a dysfunctional protein product. This variant is rare in the general population with a frequency below the threshold expected for the associated phenotype(s). Given the available evidence, this variant is classified as Likely Pathogenic.

NM_001384474.1(LOXHD1):c.3654_3657delinsTCCTCAAGACAA (p.Asp1219fs)

Gene: LOXHD1 (lipoxygenase homology PLAT domains 1; minus strand). Cytogenetic location: 18q21.1.
Variant type: Indel.
Coding change: c.3654_3657delinsTCCTCAAGACAA on transcript NM_001384474.1 (MANE Select); coding-DNA positions 3654 to 3657, CGAT replaced by TCCTCAAGACAA.
Protein change: p.Asp1219fs; shifts the reading frame from aspartic acid 1219.
Molecular consequence: frameshift variant.
Genome position (GRCh38, 1-based): chr18:46,542,818-46,542,821, ATCG replaced by TTGTCTTGAGGA on the plus strand (CGAT replaced by TCCTCAAGACAA on the coding strand, the reverse complement: LOXHD1 is on the minus strand). VCF-style: chr18-46542818-ATCG-TTGTCTTGAGGA. GRCh37 (hg19) VCF-style: chr18-44122781-ATCG-TTGTCTTGAGGA.
Other names: c.321_324delinsTCCTCAAGACAA, p.Asp108fs (NM_001145472.3); c.33_36delinsTCCTCAAGACAA, p.Asp12fs (NM_001308013.2); c.3654_3657delinsTCCTCAAGACAA, p.Asp1219fs (NM_144612.7); short protein forms D108fs, D1219fs, D12fs.
Identifiers: ClinVar variation 4816824 (VCV004816824.1).